The following is an entry in ClinVar:

NM_001723.7(DST):c.7792T>A (p.Ser2598Thr)

Gene: DST (dystonin; minus strand). Cytogenetic location: 6p12.1.
Variant type: single nucleotide variant.
Coding change: c.7792T>A on transcript NM_001723.7 (MANE Plus Clinical); coding-DNA position 7792, T replaced by A.
Protein change: p.Ser2598Thr; replaces serine 2598 with threonine.
Molecular consequence: missense variant. On other transcripts: intron variant (10).
Genome position (GRCh38, 1-based): chr6:56,615,675, A>T on the plus strand (T>A on the coding strand, the complement: DST is on the minus strand). VCF-style: chr6-56615675-A-T. GRCh37 (hg19) VCF-style: chr6-56480473-A-T.
Other names: c.4831-1191T>A (NM_001144769.5); c.4930-1191T>A (NM_001374722.1, NM_001374736.1); c.4957-1191T>A (NM_001374734.1); c.4417-1191T>A (NM_001144770.2); c.4297-1191T>A (NM_001374730.1, NM_001386100.1, NM_183380.4 and 1 more transcripts); c.3319-1191T>A (NM_015548.5); short protein forms S2598T.
Identifiers: ClinVar variation 656608 (VCV000656608.8), dbSNP rs1586702370, ClinGen allele CA364562234.
Genomic context (GRCh38, chr6:56,615,675, plus strand): 5'-AGGCTTCTTTATATGTCAACTTTCTTTTTGTCTGAGGGCATATTATATTTCTGACATATG[A>T]CTTTTGATCTTTGAGTTTTGTGGCAATGAGGACATCTATAATACCTACTTGGAGAGCCTC-3'
Protein context (NP_001714.1, residues 2588-2608): LIATKLKDQK[Ser2598Thr]YVRNIICPQT

ClinVar aggregate classification (germline): Uncertain significance (1 of 4 stars; one submission).

Conditions:
Hereditary sensory and autonomic neuropathy type 6. Also called: HSAN VI; Neuropathy, hereditary sensory and autonomic, type VI. Identifiers: Orphanet 314381, MedGen C3539003, MONDO:0013839, OMIM 614653.
Epidermolysis bullosa simplex 3, localized or generalized intermediate, with BP230 deficiency (EBS3). Also called: Epidermolysis bullosa simplex due to BP230 deficiency; Epidermolysis bullosa simplex, autosomal recessive 2. Identifiers: Orphanet 412181, MedGen C3809470, MONDO:0014180, OMIM 615425.

Allele frequency attached by ClinVar (database versions not stated): gnomAD exomes below 0.00001.
gnomAD v4.1: 2 of 1,614,076 alleles (0.00012%); highest among the groups gnomAD compares: Non-Finnish European, 0.000085%; no homozygotes.

Submission:

Labcorp Genetics (formerly Invitae), Labcorp
Classification: Uncertain significance for Epidermolysis bullosa simplex 3, localized or generalized intermediate, with BP230 deficiency; Hereditary sensory and autonomic neuropathy type 6. Last evaluated: 2022-06-13. Review status: criteria provided, single submitter. Criteria: Invitae Variant Classification Sherloc (09022015). Collection method: clinical testing. Allele origin: germline.
Comment: In summary, the available evidence is currently insufficient to determine the role of this variant in disease. Therefore, it has been classified as a Variant of Uncertain Significance. Algorithms developed to predict the effect of missense changes on protein structure and function are either unavailable or do not agree on the potential impact of this missense change (SIFT: "Deleterious"; PolyPhen-2: "Benign"; Align-GVGD: "Class C0"). ClinVar contains an entry for this variant (Variation ID: 656608). This variant has not been reported in the literature in individuals affected with DST-related conditions. This variant is not present in population databases (gnomAD no frequency). This sequence change replaces serine, which is neutral and polar, with threonine, which is neutral and polar, at codon 2598 of the DST protein (p.Ser2598Thr).